The following is an entry in ClinVar:

NM_007294.4(BRCA1):c.1929_1930delinsA (p.Ser643fs)

Gene: BRCA1 (BRCA1 DNA repair associated; minus strand). Cytogenetic location: 17q21.31.
Variant type: Indel.
Coding change: c.1929_1930delinsA on transcript NM_007294.4 (MANE Select); coding-DNA positions 1929 to 1930, TT replaced by A.
Protein change: p.Ser643fs; shifts the reading frame from serine 643.
Molecular consequence: frameshift variant. On other transcripts: intron variant (137).
Genome position (GRCh38, 1-based): chr17:43,093,601-43,093,602, AA replaced by T on the plus strand (TT replaced by A on the coding strand, the reverse complement: BRCA1 is on the minus strand). VCF-style: chr17-43093601-AA-T. GRCh37 (hg19) VCF-style: chr17-41245618-AA-T.
Other names: c.706+1142_706+1143delinsA (NM_001408413.1, NM_001408416.1); c.586+1142_586+1143delinsA (NM_001408476.1, NM_001408474.1); c.709+1142_709+1143delinsA (NM_001408409.1, NM_001408414.1, NM_001408411.1 and 2 more transcripts); c.574+1142_574+1143delinsA (NM_001408493.1, NM_001408490.1, NM_001408491.1); c.454+1142_454+1143delinsA (NM_001408502.1); c.577+1142_577+1143delinsA (NM_001408489.1, NM_001408479.1, NM_001408482.1 and 9 more transcripts); c.661+1142_661+1143delinsA (NM_001408445.1, NM_001408432.1, NM_001408450.1 and 6 more transcripts); c.667+2244_667+2245delinsA (NM_001408431.1, NM_001408424.1, NM_001408421.1); and 40 more; short protein forms S643fs, S596fs, S347fs, S572fs, S575fs, S595fs, S601fs, S475fs.
Identifiers: ClinVar variation 480996 (VCV000480996.13), dbSNP rs886039982, ClinGen allele CA658656743.
Genomic context (GRCh38, chr17:43,093,601, plus strand): 5'-TGCTGTGCCTGACTGGCATTTGGTTGTACTTTTTTTTCTTTATCTCTTCACTGCTAGAAC[AA>T]CTATCAATTTGCAATTCAGTACAATTAGGTGGGCTTAGATTTCTACTGACTACTAGTTCA-3'

ClinVar aggregate classification (germline): Pathogenic/Likely pathogenic. Review status: criteria provided, multiple submitters, no conflicts (2 of 4 stars). 4 submissions from 4 submitters: Pathogenic (3); Likely pathogenic (1). Last evaluated 2021-05-20.

Conditions:
Hereditary cancer-predisposing syndrome. Also called: Tumor predisposition; Hereditary Cancer Syndrome; Hereditary neoplastic syndrome; Neoplastic Syndromes, Hereditary. Identifiers: Orphanet 140162, MedGen C0027672, MeSH D009386, MONDO:0015356.
Hereditary breast ovarian cancer syndrome. Also called: Breast and ovarian cancer; Hereditary breast and/or ovarian cancer syndrome; BRCA1- and BRCA2-Associated Hereditary Breast and Ovarian Cancer; Hereditary breast and ovarian cancer syndrome; Hereditary breast and ovarian cancer syndrome (HBOC); Hereditary breast and ovarian cancer. Identifiers: Orphanet 145, MedGen C0677776, MeSH D061325, MONDO:0003582. Disease mechanism: loss of function.
Breast-ovarian cancer, familial, susceptibility to, 1 (BROVCA1). Also called: BRCA1 Hereditary Breast and Ovarian Cancer; OVARIAN CANCER, SUSCEPTIBILITY TO. Identifiers: Orphanet 145, MedGen C2676676, MONDO:0011450, OMIM 604370. Disease mechanism: loss of function.

Submissions (4):

Baylor Genetics
Classification: Likely pathogenic for Breast-ovarian cancer, familial, susceptibility to, 1. Last evaluated: 2021-05-20. Review status: criteria provided, single submitter. Criteria: ACMG Guidelines, 2015. Collection method: clinical testing. Allele origin: unknown.

Color Diagnostics, LLC DBA Color Health
Classification: Pathogenic for Hereditary cancer-predisposing syndrome. Last evaluated: 2021-03-30. Review status: criteria provided, single submitter. Criteria: ACMG Guidelines, 2015. Collection method: clinical testing. Allele origin: germline.
Comment: This variant alters two nucleotides in exon 10 of the BRCA1 gene, creating a frameshift and premature translation stop signal. This variant is expected to result in an absent or non-functional protein product. To our knowledge, functional studies have not been reported for this variant nor has this variant been reported in individuals affected with hereditary cancer in the literature. This variant has not been identified in the general population by the Genome Aggregation Database (gnomAD). Loss of BRCA1 function is a known mechanism of disease. Based on the available evidence, this variant is classified as Pathogenic.

Labcorp Genetics (formerly Invitae), Labcorp
Classification: Pathogenic for Hereditary breast ovarian cancer syndrome. Last evaluated: 2020-12-31. Review status: criteria provided, single submitter. Criteria: Invitae Variant Classification Sherloc (09022015). Collection method: clinical testing. Allele origin: germline.
Comment: For these reasons, this variant has been classified as Pathogenic. Loss-of-function variants in BRCA1 are known to be pathogenic (PMID: 20104584). This variant has not been reported in the literature in individuals with BRCA1-related conditions. ClinVar contains an entry for this variant (Variation ID: 480996). This variant is not present in population databases (ExAC no frequency). This sequence change creates a premature translational stop signal (p.Ser643Argfs*8) in the BRCA1 gene. It is expected to result in an absent or disrupted protein product.

Ambry Genetics
Classification: Pathogenic for Hereditary cancer-predisposing syndrome. Last evaluated: 2017-08-04. Review status: criteria provided, single submitter. Criteria: Ambry Variant Classification Scheme 2023. Collection method: clinical testing. Allele origin: germline.
Comment: The c.1929_1930delTTinsA pathogenic mutation, located in coding exon 9 of the BRCA1 gene, results from the deletion of two nucleotides and insertion of one nucleotide causing a translational frameshift with a predicted alternate stop codon (p.S643Rfs*8). This alteration is expected to result in loss of function by premature protein truncation or nonsense-mediated mRNA decay. As such, this alteration is interpreted as a disease-causing mutation.

Literature cited by the submitters: PubMed 20104584 (cited by Labcorp Genetics (formerly Invitae), Labcorp).